The following is an entry in ClinVar:

ClinVar aggregate classification (germline): Uncertain significance. Review status: criteria provided, multiple submitters, no conflicts (2 of 4 stars). 2 submissions from 2 submitters: Uncertain significance (2). Last evaluated 2025-10-03.

Conditions:
Inborn genetic diseases. Identifiers: MedGen C0950123, MeSH D030342.
Left ventricular noncompaction 8 (LVNC8). Identifiers: Orphanet 154, Orphanet 54260, MedGen C3809288, MONDO:0014152, OMIM 615373.

gnomAD v4.1: 24 of 1,613,900 alleles (0.0015%); highest among the groups gnomAD compares: Admixed American, 0.04%; no homozygotes.

Submissions (2):

Labcorp Genetics (formerly Invitae), Labcorp
Classification: Uncertain significance for Left ventricular noncompaction 8. Last evaluated: 2025-10-03. Review status: criteria provided, single submitter. Criteria: Invitae Variant Classification Sherloc (09022015). Collection method: clinical testing. Allele origin: germline.
Comment: This sequence change replaces aspartic acid, which is acidic and polar, with glutamic acid, which is acidic and polar, at codon 1060 of the PRDM16 protein (p.Asp1060Glu). This variant is present in population databases (rs772344270, gnomAD 0.06%), and has an allele count higher than expected for a pathogenic variant. This variant has not been reported in the literature in individuals affected with PRDM16-related conditions. An algorithm developed to predict the effect of missense changes on protein structure and function (PolyPhen-2) suggests that this variant is likely to be tolerated. In summary, the available evidence is currently insufficient to determine the role of this variant in disease. Therefore, it has been classified as a Variant of Uncertain Significance.

Ambry Genetics
Classification: Uncertain significance for Inborn genetic diseases. Last evaluated: 2025-06-18. Review status: criteria provided, single submitter. Criteria: Ambry Variant Classification Scheme 2023. Collection method: clinical testing. Allele origin: germline.

NM_022114.4(PRDM16):c.3180C>G (p.Asp1060Glu)

Gene: PRDM16 (PR/SET domain 16; plus strand). Cytogenetic location: 1p36.32.
Variant type: single nucleotide variant.
Coding change: c.3180C>G on transcript NM_022114.4 (MANE Select); coding-DNA position 3180, C replaced by G.
Protein change: p.Asp1060Glu; replaces aspartic acid 1060 with glutamic acid.
Molecular consequence: missense variant.
Genome position (GRCh38, 1-based): chr1:3,426,121, C>G. VCF-style: chr1-3426121-C-G. GRCh37 (hg19) VCF-style: chr1-3342685-C-G.
Other names: c.3180C>G, p.Asp1060Glu (NM_199454.3); short protein forms D1060E.
Identifiers: ClinVar variation 4143906 (VCV004143906.2).
Genomic context (GRCh38, chr1:3,426,121, plus strand): 5'-CCCCGGGGTCCTCACGAACCACCTGGGGACCAGCGCGTCCTCTCCCACCTCAGAGTCGGA[C>G]AACCACGCACTTTTAGACGAGAAAGAAGACTCTTATTTCTCGGAAATCAGAAACTTTATT-3'
Protein context (NP_071397.3, residues 1050-1070): TSASSPTSES[Asp1060Glu]NHALLDEKED